The following is an entry in ClinVar:

ClinVar aggregate classification (germline): Conflicting classifications of pathogenicity. Review status: criteria provided, conflicting classifications (1 of 4 stars). 5 submissions from 5 submitters: Uncertain significance (2); Likely benign (2). 1 of the submissions does not count toward it. Last evaluated 2025-11-12.

Conditions:
Cardiovascular phenotype. Identifiers: MedGen CN230736.
Duchenne muscular dystrophy (DMD). Also called: MUSCULAR DYSTROPHY, PSEUDOHYPERTROPHIC PROGRESSIVE, DUCHENNE TYPE; Duchenne Muscular Dystrophy (DMD). Identifiers: Orphanet 98896, MedGen C0013264, MONDO:0010679, OMIM 310200.
Becker muscular dystrophy (BMD). Also called: MUSCULAR DYSTROPHY, PSEUDOHYPERTROPHIC PROGRESSIVE, BECKER TYPE; Becker Muscular Dystrophy (BMD). Identifiers: Orphanet 98895, MedGen C0917713, MONDO:0010311, OMIM 300376.
Cardiomyopathy (CMYO). Also called: Cardiomyopathies. Identifiers: Orphanet 167848, MedGen C0878544, MONDO:0004994, HP:0001638. Inheritance: Various modes of inheritance.
Dystrophin deficiency.

Allele frequency attached by ClinVar (database versions not stated): gnomAD exomes 0.00001; ExAC 0.00002; TOPMed 0.00002; gnomAD 0.00003.
gnomAD v4.1: 24 of 1,208,697 alleles (0.002%); highest among the groups gnomAD compares: Non-Finnish European, 0.0027%; no homozygotes.

Submissions (5):

Labcorp Genetics (formerly Invitae), Labcorp
Classification: Likely benign for Duchenne muscular dystrophy. Last evaluated: 2025-11-12. Review status: criteria provided, single submitter. Criteria: Invitae Variant Classification Sherloc (09022015). Collection method: clinical testing. Allele origin: germline.

Ambry Genetics
Classification: Uncertain significance for Cardiovascular phenotype. Last evaluated: 2023-08-10. Review status: criteria provided, single submitter. Criteria: Ambry Variant Classification Scheme 2023. Collection method: clinical testing. Allele origin: germline.
Comment: The p.R2071K variant (also known as c.6212G>A), located in coding exon 43 of the DMD gene, results from a G to A substitution at nucleotide position 6212. The arginine at codon 2071 is replaced by lysine, an amino acid with highly similar properties. Based on data from gnomAD, the A allele has an overall frequency of <0.01% (2/182802) total alleles studied, with 2 hemizygote(s) observed. The highest observed frequency was <0.01% (2/81576) of European (non-Finnish) alleles. This amino acid position is not well conserved in available vertebrate species. In addition, this alteration is predicted to be tolerated by in silico analysis. Since supporting evidence is limited at this time, the clinical significance of this alteration remains unclear.

Revvity Omics, Revvity
Classification: Uncertain significance. Last evaluated: 2019-07-08. Review status: criteria provided, single submitter. Criteria: ACMG Guidelines, 2015. Collection method: clinical testing. Allele origin: germline.

GeneDx
Classification: Likely benign. Last evaluated: 2016-06-24. Review status: criteria provided, single submitter. Criteria: GeneDx Variant Classification (06012015). Collection method: clinical testing. Allele origin: germline. Affected: yes.
Comment: This variant is considered likely benign or benign based on one or more of the following criteria: it is a conservative change, it occurs at a poorly conserved position in the protein, it is predicted to be benign by multiple in silico algorithms, and/or has population frequency not consistent with disease.

Natera, Inc.
Classification: Likely benign for Becker muscular dystrophy; Cardiomyopathy; Duchenne muscular dystrophy; Dystrophin deficiency. Last evaluated: 2018-08-28. Review status: no assertion criteria provided. Collection method: clinical testing. Allele origin: germline. Not counted in ClinVar's aggregate classification.

NM_004006.3(DMD):c.6212G>A (p.Arg2071Lys)

Gene: DMD (dystrophin; minus strand). Cytogenetic location: Xp21.1.
Variant type: single nucleotide variant.
Coding change: c.6212G>A on transcript NM_004006.3 (MANE Select); coding-DNA position 6212, G replaced by A.
Protein change: p.Arg2071Lys; replaces arginine 2071 with lysine.
Molecular consequence: missense variant.
Genome position (GRCh38, 1-based): chrX:32,287,607, C>T on the plus strand (G>A on the coding strand, the complement: DMD is on the minus strand). VCF-style: chrX-32287607-C-T. GRCh37 (hg19) VCF-style: chrX-32305724-C-T.
Other names: c.6188G>A, p.Arg2063Lys (NM_000109.4); c.6200G>A, p.Arg2067Lys (NM_004009.3); c.5843G>A, p.Arg1948Lys (NM_004010.3); c.2189G>A, p.Arg730Lys (NM_004011.4); c.2180G>A, p.Arg727Lys (NM_004012.4); short protein forms R2071K, R1948K, R2063K, R2067K, R730K, R727K.
Identifiers: ClinVar variation 387023 (VCV000387023.15), dbSNP rs774825173, ClinGen allele CA10378513.